The following is an entry in ClinVar:

NM_017950.4(CCDC40):c.1576C>G (p.Gln526Glu)

Gene: CCDC40 (coiled-coil domain 40 molecular ruler complex subunit; plus strand). Cytogenetic location: 17q25.3.
Variant type: single nucleotide variant.
Coding change: c.1576C>G on transcript NM_017950.4 (MANE Select); coding-DNA position 1576, C replaced by G.
Protein change: p.Gln526Glu; replaces glutamine 526 with glutamic acid.
Molecular consequence: missense variant.
Genome position (GRCh38, 1-based): chr17:80,081,559, C>G. VCF-style: chr17-80081559-C-G. GRCh37 (hg19) VCF-style: chr17-78055358-C-G.
Other names: c.1576C>G, p.Gln526Glu (NM_001243342.2); short protein forms Q526E.
Identifiers: ClinVar variation 4703956 (VCV004703956.1).
Genomic context (GRCh38, chr17:80,081,559, plus strand): 5'-CTCTGATGTCTCACACGTAACTGGCTCTCCCCGCTGCATTTCTACAGAGGATGCCAGCAT[C>G]AAGCCAAATCCACCGACGGCGAGATTGAGGCCTATAAGAAATCCATCATGAAGGAGGAAG-3'
Protein context (NP_060420.2, residues 516-536): VLEALRGCQH[Gln526Glu]AKSTDGEIEA

ClinVar aggregate classification (germline): Uncertain significance (1 of 4 stars; one submission).

Conditions:
Primary ciliary dyskinesia. Also called: Ciliary dyskinesia. Identifiers: Orphanet 244, MedGen C0008780, MONDO:0016575, HP:0012265.

Submission:

Labcorp Genetics (formerly Invitae), Labcorp
Classification: Uncertain significance for Primary ciliary dyskinesia. Last evaluated: 2025-08-15. Review status: criteria provided, single submitter. Criteria: Invitae Variant Classification Sherloc (09022015). Collection method: clinical testing. Allele origin: germline.
Comment: This sequence change replaces glutamine, which is neutral and polar, with glutamic acid, which is acidic and polar, at codon 526 of the CCDC40 protein (p.Gln526Glu). This variant is not present in population databases (gnomAD no frequency). This variant has not been reported in the literature in individuals affected with CCDC40-related conditions. Invitae Evidence Modeling of protein sequence and biophysical properties (such as structural, functional, and spatial information, amino acid conservation, physicochemical variation, residue mobility, and thermodynamic stability) indicates that this missense variant is not expected to disrupt CCDC40 protein function with a negative predictive value of 80%. In summary, the available evidence is currently insufficient to determine the role of this variant in disease. Therefore, it has been classified as a Variant of Uncertain Significance.